The following is an entry in ClinVar:

ClinVar aggregate classification (germline): Uncertain significance. Review status: criteria provided, multiple submitters, no conflicts (2 of 4 stars). 2 submissions from 2 submitters: Uncertain significance (2). Last evaluated 2025-12-03.

gnomAD v4.1: 4 of 1,614,210 alleles (0.00025%); highest among the groups gnomAD compares: African/African-American, 0.0013%; no homozygotes.

Submissions (2):

Labcorp Genetics (formerly Invitae), Labcorp
Classification: Uncertain significance. Last evaluated: 2025-12-03. Review status: criteria provided, single submitter. Criteria: Invitae Variant Classification Sherloc (09022015). Collection method: clinical testing. Allele origin: germline.
Comment: This sequence change replaces proline, which is neutral and non-polar, with arginine, which is basic and polar, at codon 131 of the COL11A2 protein (p.Pro131Arg). This variant is present in population databases (no rsID available, gnomAD 0.01%). This variant has not been reported in the literature in individuals affected with COL11A2-related conditions. An algorithm developed to predict the effect of missense changes on protein structure and function (PolyPhen-2) suggests that this variant is likely to be disruptive. In summary, the available evidence is currently insufficient to determine the role of this variant in disease. Therefore, it has been classified as a Variant of Uncertain Significance.

Blueprint Genetics
Classification: Uncertain significance. Last evaluated: 2020-02-28. Review status: criteria provided, single submitter. Criteria: ACMG Guidelines, 2015. Collection method: clinical testing. Allele origin: germline.

NM_080680.3(COL11A2):c.392C>G (p.Pro131Arg)

Gene: COL11A2 (collagen type XI alpha 2 chain; minus strand). Cytogenetic location: 6p21.32.
Variant type: single nucleotide variant.
Coding change: c.392C>G on transcript NM_080680.3 (MANE Select); coding-DNA position 392, C replaced by G.
Protein change: p.Pro131Arg; replaces proline 131 with arginine.
Molecular consequence: missense variant. On other transcripts: 5 prime UTR variant (3), non-coding transcript variant (1).
Genome position (GRCh38, 1-based): chr6:33,189,029, G>C on the plus strand (C>G on the coding strand, the complement: COL11A2 is on the minus strand). VCF-style: chr6-33189029-G-C. GRCh37 (hg19) VCF-style: chr6-33156806-G-C.
Other names: c.392C>G, p.Pro131Arg (NM_001163771.2, NM_001424108.1, NM_080679.3 and 1 more transcripts); c.-455C>G (NM_001424109.1, NM_001424110.1, NM_001424111.1); short protein forms P131R.
Identifiers: ClinVar variation 4699812 (VCV004699812.2).